The following is an entry in ClinVar:

ClinVar aggregate classification (germline): Uncertain significance. Review status: criteria provided, multiple submitters, no conflicts (2 of 4 stars). 2 submissions from 2 submitters: Uncertain significance (2). Last evaluated 2024-02-13.

Conditions:
Colorectal cancer, hereditary nonpolyposis, type 7. Identifiers: Orphanet 144, MedGen C1858380, MONDO:0013725, OMIM 614385.

Allele frequency attached by ClinVar (database versions not stated): gnomAD exomes below 0.00001; ExAC 0.00001.
gnomAD v4.1: 2 of 1,614,182 alleles (0.00012%); highest among the groups gnomAD compares: East Asian, 0.0022%; no homozygotes.

Submissions (2):

Labcorp Genetics (formerly Invitae), Labcorp
Classification: Uncertain significance for Colorectal cancer, hereditary nonpolyposis, type 7. Last evaluated: 2024-02-13. Review status: criteria provided, single submitter. Criteria: Invitae Variant Classification Sherloc (09022015). Collection method: clinical testing. Allele origin: germline.
Comment: This sequence change replaces threonine, which is neutral and polar, with isoleucine, which is neutral and non-polar, at codon 514 of the MLH3 protein (p.Thr514Ile). This variant is present in population databases (rs763747833, gnomAD 0.006%). This variant has not been reported in the literature in individuals affected with MLH3-related conditions. Algorithms developed to predict the effect of missense changes on protein structure and function output the following: SIFT: "Not Available"; PolyPhen-2: "Benign"; Align-GVGD: "Not Available". The isoleucine amino acid residue is found in multiple mammalian species, which suggests that this missense change does not adversely affect protein function. In summary, the available evidence is currently insufficient to determine the role of this variant in disease. Therefore, it has been classified as a Variant of Uncertain Significance.

Ambry Genetics
Classification: Uncertain significance. Last evaluated: 2023-12-02. Review status: criteria provided, single submitter. Criteria: Ambry Variant Classification Scheme 2023. Collection method: clinical testing. Allele origin: germline.
Comment: The p.T514I variant (also known as c.1541C>T), located in coding exon 1 of the MLH3 gene, results from a C to T substitution at nucleotide position 1541. The threonine at codon 514 is replaced by isoleucine, an amino acid with similar properties. This amino acid position is conserved. In addition, this alteration is predicted to be tolerated by in silico analysis. Since supporting evidence is limited at this time, the clinical significance of this alteration remains unclear.

NM_001040108.2(MLH3):c.1541C>T (p.Thr514Ile)

Gene: MLH3 (mutL homolog 3; minus strand). Cytogenetic location: 14q24.3.
Variant type: single nucleotide variant.
Coding change: c.1541C>T on transcript NM_001040108.2 (MANE Select); coding-DNA position 1541, C replaced by T.
Protein change: p.Thr514Ile; replaces threonine 514 with isoleucine.
Molecular consequence: missense variant.
Genome position (GRCh38, 1-based): chr14:75,048,115, G>A on the plus strand (C>T on the coding strand, the complement: MLH3 is on the minus strand). VCF-style: chr14-75048115-G-A. GRCh37 (hg19) VCF-style: chr14-75514818-G-A.
Other names: c.1541C>T, p.Thr514Ile (NM_014381.3); short protein forms T514I.
Identifiers: ClinVar variation 3232448 (VCV003232448.3), dbSNP rs763747833, ClinGen allele CA7275853.